The following is an entry in ClinVar:

NM_033343.4(LHX4):c.307C>T (p.Arg103Cys)

Gene: LHX4 (LIM homeobox 4; plus strand). Cytogenetic location: 1q25.2.
Variant type: single nucleotide variant.
Coding change: c.307C>T on transcript NM_033343.4 (MANE Select); coding-DNA position 307, C replaced by T.
Protein change: p.Arg103Cys; replaces arginine 103 with cysteine.
Molecular consequence: missense variant.
Genome position (GRCh38, 1-based): chr1:180,266,450, C>T. VCF-style: chr1-180266450-C-T. GRCh37 (hg19) VCF-style: chr1-180235585-C-T.
Other names: short protein forms R103C.
Identifiers: ClinVar variation 2639602 (VCV002639602.24), dbSNP rs755505959, ClinGen allele CA1271858.

ClinVar aggregate classification (germline): Uncertain significance (1 of 4 stars; one submission).

Allele frequency attached by ClinVar (database versions not stated): gnomAD exomes below 0.00001; TOPMed 0.00001; ExAC 0.00002.
gnomAD v4.1: 8 of 1,614,172 alleles (0.0005%); highest among the groups gnomAD compares: South Asian, 0.0033%; no homozygotes.

Submission:

CeGaT Center for Human Genetics Tuebingen
Classification: Uncertain significance. Last evaluated: 2022-04-01. Review status: criteria provided, single submitter. Criteria: CeGaT Center For Human Genetics Tuebingen Variant Classification Criteria Version 2. Collection method: clinical testing. Allele origin: germline. Affected: yes. Observed: 1 variant allele.
Comment: LHX4: PP3